The following is an entry in ClinVar:

ClinVar aggregate classification (germline): Uncertain significance. Review status: reviewed by expert panel (3 of 4 stars). 2 submissions from 2 submitters: Uncertain significance (1). 1 of the submissions does not count toward it. Last evaluated 2026-05-27.

Conditions:
Inborn genetic diseases. Identifiers: MedGen C0950123, MeSH D030342.
Hereditary thrombocytopenia and hematologic cancer predisposition syndrome. Identifiers: Orphanet 71290, MedGen CN281654, MONDO:0011071.

gnomAD v4.1: 1 of 1,612,050 alleles (0.000062%); highest among the groups gnomAD compares: African/African-American, 0.0013%; no homozygotes.

Submissions (2):

ClinGen Myeloid Malignancy Variant Curation Expert Panel
Classification: Uncertain significance for Hereditary thrombocytopenia and hematologic cancer predisposition syndrome. Last evaluated: 2026-05-27. Review status: reviewed by expert panel. Criteria: ClinGen MyeloMalig ACMG Specifications V3.1. Collection method: curation. Allele origin: germline. Inheritance: Autosomal dominant inheritance.
Comment: NM_001754.5(RUNX1):c.235G>A (p.Val79Met) is a missense variant which has a MAF ≤ 0.00005 in gnomAD v4 across all subpopulations with at least 20x coverage for RUNX1 (PM2_Supporting). In summary, the clinical significance of this variant is uncertain. ACMG/AMP criteria applied, as specified by the Myeloid Malignancy Variant Curation Expert Panel for RUNX1: PM2_Supporting.

Ambry Genetics
Classification: Uncertain significance for Inborn genetic diseases. Last evaluated: 2026-03-23. Review status: criteria provided, single submitter. Criteria: Ambry Variant Classification Scheme 2023. Collection method: clinical testing. Allele origin: germline. Not counted in ClinVar's aggregate classification.
Comment: The c.235G>A (p.V79M) alteration is located in exon 4 (coding exon 3) of the RUNX1 gene. This alteration results from a G to A substitution at nucleotide position 235, causing the valine (V) at amino acid position 79 to be replaced by a methionine (M). Based on data from gnomAD, the A allele has an overall frequency of <0.001% (1/244872) total alleles studied. The highest observed frequency was 0.006% (1/15648) of African alleles. Based on insufficient or conflicting evidence, the clinical significance of this alteration remains unclear.

NM_001754.5(RUNX1):c.235G>A (p.Val79Met)

Gene: RUNX1 (RUNX family transcription factor 1; minus strand). Cytogenetic location: 21q22.12.
Variant type: single nucleotide variant.
Coding change: c.235G>A on transcript NM_001754.5 (MANE Select); coding-DNA position 235, G replaced by A.
Protein change: p.Val79Met; replaces valine 79 with methionine.
Molecular consequence: missense variant.
Genome position (GRCh38, 1-based): chr21:34,886,959, C>T on the plus strand (G>A on the coding strand, the complement: RUNX1 is on the minus strand). VCF-style: chr21-34886959-C-T. GRCh37 (hg19) VCF-style: chr21-36259256-C-T.
Other names: NM_001754.5(RUNX1):c.235G>A; p.Val79Met; c.154G>A, p.Val52Met (NM_001001890.3, NM_001122607.2); short protein forms V52M, V79M.
Identifiers: ClinVar variation 3948893 (VCV003948893.3).